The following is an entry in ClinVar:

ClinVar aggregate classification (germline): Uncertain significance. Review status: criteria provided, multiple submitters, no conflicts (2 of 4 stars). 2 submissions from 2 submitters: Uncertain significance (2). Last evaluated 2024-10-14.

Conditions:
MOGS-congenital disorder of glycosylation. Also called: CDG IIb; GLUCOSIDASE I DEFICIENCY; CDG 2B; MOGS-CDG. Identifiers: Orphanet 79330, MedGen C1853736, MONDO:0011629, OMIM 606056.

Allele frequency attached by ClinVar (database versions not stated): ExAC 0.00002; gnomAD exomes 0.00003 and 0.00004; TOPMed 0.00004; gnomAD 0.00007 and 0.00008; ESP Exome Variant Server 0.00008.
gnomAD v4.1: 52 of 1,614,100 alleles (0.0032%); highest among the groups gnomAD compares: African/African-American, 0.008%; no homozygotes.

Submissions (2):

Blueprint Genetics
Classification: Uncertain significance. Last evaluated: 2024-10-14. Review status: criteria provided, single submitter. Criteria: ACMG Guidelines, 2015. Collection method: clinical testing. Allele origin: germline.

Labcorp Genetics (formerly Invitae), Labcorp
Classification: Uncertain significance for MOGS-congenital disorder of glycosylation. Last evaluated: 2022-04-25. Review status: criteria provided, single submitter. Criteria: Invitae Variant Classification Sherloc (09022015). Collection method: clinical testing. Allele origin: germline.
Comment: This variant has not been reported in the literature in individuals affected with MOGS-related conditions. This variant is present in population databases (rs372460563, gnomAD 0.01%). This sequence change replaces cysteine, which is neutral and slightly polar, with tyrosine, which is neutral and polar, at codon 602 of the MOGS protein (p.Cys602Tyr). ClinVar contains an entry for this variant (Variation ID: 337107). In summary, the available evidence is currently insufficient to determine the role of this variant in disease. Therefore, it has been classified as a Variant of Uncertain Significance. Algorithms developed to predict the effect of missense changes on protein structure and function are either unavailable or do not agree on the potential impact of this missense change (SIFT: "Deleterious"; PolyPhen-2: "Probably Damaging"; Align-GVGD: "Class C0").

NM_006302.3(MOGS):c.1805G>A (p.Cys602Tyr)

Gene: MOGS (mannosyl-oligosaccharide glucosidase; minus strand). Cytogenetic location: 2p13.1.
Variant type: single nucleotide variant.
Coding change: c.1805G>A on transcript NM_006302.3 (MANE Select); coding-DNA position 1805, G replaced by A.
Protein change: p.Cys602Tyr; replaces cysteine 602 with tyrosine.
Molecular consequence: missense variant.
Genome position (GRCh38, 1-based): chr2:74,461,984, C>T on the plus strand (G>A on the coding strand, the complement: MOGS is on the minus strand). VCF-style: chr2-74461984-C-T. GRCh37 (hg19) VCF-style: chr2-74689111-C-T.
Other names: c.1487G>A, p.Cys496Tyr (NM_001146158.2); c.1805G>A, p.Cys602Tyr (LRG_1226t1); short protein forms C602Y, C496Y.
Identifiers: ClinVar variation 337107 (VCV000337107.11), dbSNP rs372460563, ClinGen allele CA1724713.